The following is an entry in ClinVar:

NM_007055.4(POLR3A):c.601del (p.Ile201fs)

Gene: POLR3A (RNA polymerase III subunit A; minus strand). Cytogenetic location: 10q22.3.
Variant type: Deletion.
Coding change: c.601del on transcript NM_007055.4 (MANE Select); coding-DNA position 601, one base deleted (A; older notation c.601delA).
Protein change: p.Ile201fs; shifts the reading frame from isoleucine 201.
Molecular consequence: frameshift variant.
Genome position (GRCh38, 1-based): chr10:78,024,593, T deleted on the plus strand (A on the coding strand, the reverse complement: POLR3A is on the minus strand). VCF-style (leftmost placement, unchanged base first): chr10-78024592-AT-A. GRCh37 (hg19) VCF-style: chr10-79784350-AT-A.
Other names: NM_007055.4(POLR3A):c.601del; p.Ile201fs; c.601delA (NM_007055.4, NM_007055.3); short protein forms I201fs.
Identifiers: ClinVar variation 684774 (VCV000684774.17), dbSNP rs777280350, ClinGen allele CA5571657.

ClinVar aggregate classification (germline): Pathogenic. Review status: criteria provided, multiple submitters, no conflicts (2 of 4 stars). 7 submissions from 7 submitters: Pathogenic (7). Last evaluated 2025-10-27.

Conditions:
POLR3A-related disorder. Also called: POLR3A-related disorders; POLR3A-related condition. Identifiers: MedGen CN378587, MONDO:0700276.
Leukodystrophy, hypomyelinating, 7, with or without oligodontia and/or hypogonadotropic hypogonadism (HLD7). Also called: LEUKOENCEPHALOPATHY, HYPOMYELINATING, WITH ATAXIA AND DELAYED DENTITION; ATAXIA, DELAYED DENTITION, AND HYPOMYELINATION; LEUKODYSTROPHY, HYPOMYELINATING, 7, WITH OLIGODONTIA; LEUKODYSTROPHY, HYPOMYELINATING, 7, WITH OLIGODONTIA AND HYPOGONADOTROPIC HYPOGONADISM; LEUKODYSTROPHY, HYPOMYELINATING, 7, WITHOUT OLIGODONTIA OR HYPOGONADOTROPIC HYPOGONADISM; Ataxia, Delayed Dentition and Hypomyelination (ADDH). Identifiers: Orphanet 137639, Orphanet 447893, Orphanet 447896, Orphanet 77295, Orphanet 88637, MedGen CN034185, MONDO:0011897, OMIM 607694.
POLR-related leukodystrophy. Also called: 4H leukodystrophy. Identifiers: Orphanet 289494, MedGen C5679947, MONDO:0100605.

Allele frequency attached by ClinVar (database versions not stated): TOPMed 0.00001; gnomAD exomes 0.00002 and 0.00001; ESP Exome Variant Server 0.00008; ExAC 0.00002; gnomAD 0.00001.

Submissions (7):

Women's Health and Genetics/Laboratory Corporation of America, LabCorp
Classification: Pathogenic for POLR-related leukodystrophy. Last evaluated: 2025-10-27. Review status: criteria provided, single submitter. Criteria: LabCorp Variant Classification Summary - May 2015. Collection method: clinical testing. Allele origin: germline.
Comment: Variant summary: POLR3A c.601delA (p.Ile201LeufsX18) results in a premature termination codon, predicted to cause a truncation of the encoded protein or absence of the protein due to nonsense mediated decay, which are commonly known mechanisms for disease. The variant allele was found at a frequency of 1.2e-05 in 251472 control chromosomes (gnomAD). c.601delA has been observed in at least one individual affected with Pol III-Related Leukodystrophy (Perrier_2020). To our knowledge, no experimental evidence demonstrating an impact on protein function has been reported. The following publication have been ascertained in the context of this evaluation (PMID: 32582862). ClinVar contains an entry for this variant (Variation ID: 684774). Based on the evidence outlined above, the variant was classified as pathogenic.

3billion
Classification: Pathogenic for POLR3A-related disorder. Last evaluated: 2025-07-17. Review status: criteria provided, single submitter. Criteria: ACMG Guidelines, 2015. Collection method: clinical testing. Allele origin: germline. Affected: yes.
Comment: The variant is observed at an extremely low frequency in the gnomAD v4.1.0 dataset (total allele frequency: 0.002%). Predicted Consequence/Location: Frameshift: predicted to result in a loss or disruption of normal protein function through nonsense-mediated decay (NMD) or protein truncation. Multiple pathogenic variants are reported downstream of the variant. The variant has been reported at least twice as pathogenic with clinical assertions and evidence for the classification (ClinVar ID: VCV000684774 /PMID: 32582862). Therefore, this variant is classified as Pathogenic according to the recommendation of ACMG/AMP guideline.

Labcorp Genetics (formerly Invitae), Labcorp
Classification: Pathogenic. Last evaluated: 2025-07-13. Review status: criteria provided, single submitter. Criteria: Invitae Variant Classification Sherloc (09022015). Collection method: clinical testing. Allele origin: germline.
Comment: This sequence change creates a premature translational stop signal (p.Ile201Leufs*18) in the POLR3A gene. It is expected to result in an absent or disrupted protein product. Loss-of-function variants in POLR3A are known to be pathogenic (PMID: 21855841, 25339210, 27612211, 30414627, 30450527). This variant is present in population databases (rs777280350, gnomAD 0.004%). This premature translational stop signal has been observed in individual(s) with leukodystrophy (PMID: 32582862). ClinVar contains an entry for this variant (Variation ID: 684774). For these reasons, this variant has been classified as Pathogenic.

GeneDx
Classification: Pathogenic. Last evaluated: 2024-06-06. Review status: criteria provided, single submitter. Criteria: GeneDx Variant Classification Process June 2021. Collection method: clinical testing. Allele origin: germline. Affected: yes.
Comment: Frameshift variant predicted to result in protein truncation or nonsense mediated decay in a gene for which loss of function is a known mechanism of disease; Not observed at significant frequency in large population cohorts (gnomAD); This variant is associated with the following publications: (PMID: 32582862)

Broad Center for Mendelian Genomics, Broad Institute of MIT and Harvard
Classification: Pathogenic for Leukodystrophy, hypomyelinating, 7, with or without oligodontia and/or hypogonadotropic hypogonadism. Last evaluated: 2023-01-24. Review status: criteria provided, single submitter. Criteria: ACMG Guidelines, 2015. Collection method: curation. Allele origin: germline. Inheritance: Autosomal recessive inheritance.
Comment: The p.Ile201fs variant in POLR3A has been reported in 1 individual, in the compound heterozygous state, with POLR3A-related disorders (PMID: 32582862) and has been identified in 0.003% (3/113756) of European (non-Finnish) chromosomes by the Genome Aggregation Database (gnomAD; dbSNP ID: rs747683665). Although this variant has been seen in the general population in a heterozygous state, its frequency is low enough to be consistent with a recessive carrier frequency. This variant has also been reported in ClinVar (Variation ID#: 684774) and has been interpreted as pathogenic by MyeliNeuroGene Lab (McGill University Health Center Research Institute), GeneDx, Invitae, and Institute of Human Genetics (Klinikum rechts der Isar). This variant is predicted to cause a frameshift, which alters the protein‚Äôs amino acid sequence beginning at position 201 and leads to a premature termination codon 18 amino acids downstream. This alteration is then predicted to lead to a truncated or absent protein. Loss of function of the POLR3A gene is an established disease mechanism in autosomal recessive POLR3A-related disorders. In summary, this variant meets criteria to be classified as pathogenic for autosomal recessive POLR3A-related disorders. ACMG/AMP Criteria applied: PVS1, PM3, PM2_supporting (Richards 2015).

Institute of Human Genetics Munich, TUM University Hospital
Classification: Pathogenic for Leukodystrophy, hypomyelinating, 7, with or without oligodontia and/or hypogonadotropic hypogonadism. Last evaluated: 2018-11-23. Review status: criteria provided, single submitter. Criteria: Classification criteria August 2017. Collection method: clinical testing. Allele origin: maternal. Inheritance: Autosomal recessive inheritance. Affected: yes. Observed: 1 compound heterozygote.

MyeliNeuroGene Lab, McGill University Health Center Research Institute
Classification: Pathogenic for LEUKODYSTROPHY, HYPOMYELINATING, 7, WITH OR WITHOUT OLIGODONTIA AND/OR HYPOGONADOTROPIC HYPOGONADISM; HLD7. Review status: criteria provided, single submitter. Criteria: ACMG Guidelines, 2015. Collection method: research. Allele origin: inherited. Inheritance: Autosomal recessive inheritance. Affected: no. Observed: 1 variant allele, 1 compound heterozygote.

Literature cited by the submitters: PubMed 32582862 (cited by 3 submitters); PubMed 21855841 (cited by Labcorp Genetics (formerly Invitae), Labcorp); PubMed 25339210 (cited by Labcorp Genetics (formerly Invitae), Labcorp); PubMed 27612211 (cited by Labcorp Genetics (formerly Invitae), Labcorp); PubMed 30414627 (cited by Labcorp Genetics (formerly Invitae), Labcorp); PubMed 30450527 (cited by Labcorp Genetics (formerly Invitae), Labcorp); PubMed 614258 (cited by MyeliNeuroGene Lab, McGill University Health Center Research Institute).